The following is an entry in ClinVar:

ClinVar aggregate classification (germline): Uncertain significance. Review status: criteria provided, multiple submitters, no conflicts (2 of 4 stars). 3 submissions from 3 submitters: Uncertain significance (3). Last evaluated 2023-08-22.

Conditions:
Inborn genetic diseases. Identifiers: MedGen C0950123, MeSH D030342.
Glycogen storage disease type X (GSD10). Also called: Dimauro disease; PGAMM DEFICIENCY; PHOSPHOGLYCERATE MUTASE, MUSCLE, DEFICIENCY OF; GSD X; MYOPATHY DUE TO PHOSPHOGLYCERATE MUTASE DEFICIENCY; Glycogen storage disease due to phosphoglycerate mutase deficiency. Identifiers: Orphanet 97234, MedGen C0268149, MONDO:0009865, OMIM 261670.

Allele frequency attached by ClinVar (database versions not stated): TOPMed 0.00002.
gnomAD v4.1: 33 of 1,613,584 alleles (0.002%); highest among the groups gnomAD compares: Non-Finnish European, 0.0028%; no homozygotes.

Submissions (3):

Ambry Genetics
Classification: Uncertain significance for Inborn genetic diseases. Last evaluated: 2023-08-22. Review status: criteria provided, single submitter. Criteria: Ambry Variant Classification Scheme 2023. Collection method: clinical testing. Allele origin: germline.

Blueprint Genetics
Classification: Uncertain significance. Last evaluated: 2023-06-21. Review status: criteria provided, single submitter. Criteria: ACMG Guidelines, 2015. Collection method: clinical testing. Allele origin: germline.

Labcorp Genetics (formerly Invitae), Labcorp
Classification: Uncertain significance for Glycogen storage disease type X. Last evaluated: 2022-05-11. Review status: criteria provided, single submitter. Criteria: Invitae Variant Classification Sherloc (09022015). Collection method: clinical testing. Allele origin: germline.
Comment: This sequence change replaces threonine, which is neutral and polar, with serine, which is neutral and polar, at codon 84 of the PGAM2 protein (p.Thr84Ser). This variant is present in population databases (no rsID available, gnomAD 0.008%). This variant has not been reported in the literature in individuals affected with PGAM2-related conditions. Algorithms developed to predict the effect of missense changes on protein structure and function output the following: SIFT: "Tolerated"; PolyPhen-2: "Benign"; Align-GVGD: "Class C0". The serine amino acid residue is found in multiple mammalian species, which suggests that this missense change does not adversely affect protein function. Algorithms developed to predict the effect of sequence changes on RNA splicing suggest that this variant may create or strengthen a splice site. In summary, the available evidence is currently insufficient to determine the role of this variant in disease. Therefore, it has been classified as a Variant of Uncertain Significance.

NM_000290.4(PGAM2):c.251C>G (p.Thr84Ser)

Genes: DBNL (drebrin like; plus strand), PGAM2 (phosphoglycerate mutase 2; minus strand), LOC129998343 (ATAC-STARR-seq lymphoblastoid active region 25926; plus strand). Cytogenetic location: 7p13.
Variant type: single nucleotide variant.
Coding change: c.251C>G on transcript NM_000290.4 (MANE Select); coding-DNA position 251, C replaced by G.
Protein change: p.Thr84Ser; replaces threonine 84 with serine.
Molecular consequence: missense variant. On other transcripts: 3 prime UTR variant (6).
Genome position (GRCh38, 1-based): chr7:44,065,279, G>C on the plus strand (C>G on the coding strand, the complement: PGAM2 is on the minus strand). VCF-style: chr7-44065279-G-C. GRCh37 (hg19) VCF-style: chr7-44104878-G-C.
Other names: c.*4363G>C (NM_001014436.3, NM_001122956.2, NM_001284313.2 and 3 more transcripts); short protein forms T84S.
Identifiers: ClinVar variation 2160937 (VCV002160937.4), dbSNP rs1279915046, ClinGen allele CA367369333.